The following is an entry in ClinVar:

NM_000444.6(PHEX):c.2214G>T (p.Thr738=)

Genes: PHEX (phosphate regulating endopeptidase X-linked; plus strand), PTCHD1-AS (PTCHD1 and PHEX antisense RNA; minus strand). Cytogenetic location: Xp22.11.
Variant type: single nucleotide variant.
Coding change: c.2214G>T on transcript NM_000444.6 (MANE Select); coding-DNA position 2214, G replaced by T.
Protein change: p.Thr738=; no amino-acid change (threonine 738 retained).
Molecular consequence: synonymous variant. On other transcripts: 3 prime UTR variant (1).
Genome position (GRCh38, 1-based): chrX:22,247,917, G>T. VCF-style: chrX-22247917-G-T. GRCh37 (hg19) VCF-style: chrX-22266034-G-T.
Other names: c.*49G>T (NM_001282754.2).
Identifiers: ClinVar variation 2745731 (VCV002745731.3), dbSNP rs140742016, ClinGen allele CA515431242.

ClinVar aggregate classification (germline): Uncertain significance (1 of 4 stars; one submission).

Submission:

Labcorp Genetics (formerly Invitae), Labcorp
Classification: Uncertain significance. Last evaluated: 2023-07-21. Review status: criteria provided, single submitter. Criteria: Invitae Variant Classification Sherloc (09022015). Collection method: clinical testing. Allele origin: germline.
Comment: This sequence change affects codon 738 of the PHEX mRNA. It is a 'silent' change, meaning that it does not change the encoded amino acid sequence of the PHEX protein. This variant is not present in population databases (gnomAD no frequency). This variant has not been reported in the literature in individuals affected with PHEX-related conditions. Algorithms developed to predict the effect of sequence changes on RNA splicing suggest that this variant may disrupt the consensus splice site. In summary, the available evidence is currently insufficient to determine the role of this variant in disease. Therefore, it has been classified as a Variant of Uncertain Significance.